The following is an entry in ClinVar:

ClinVar aggregate classification (germline): Uncertain significance. Review status: criteria provided, multiple submitters, no conflicts (2 of 4 stars). 2 submissions from 2 submitters: Uncertain significance (2). Last evaluated 2025-12-15.

Conditions:
Hereditary nonpolyposis colorectal neoplasms. Identifiers: MedGen C0009405, MeSH D003123.
Hereditary cancer-predisposing syndrome. Also called: Neoplastic Syndromes, Hereditary; Tumor predisposition; Hereditary Cancer Syndrome; Hereditary neoplastic syndrome. Identifiers: Orphanet 140162, MedGen C0027672, MeSH D009386, MONDO:0015356.

Submissions (2):

Labcorp Genetics (formerly Invitae), Labcorp
Classification: Uncertain significance for Hereditary nonpolyposis colorectal neoplasms. Last evaluated: 2025-12-15. Review status: criteria provided, single submitter. Criteria: Invitae Variant Classification Sherloc (09022015). Collection method: clinical testing. Allele origin: germline.
Comment: This variant, c.827_841del, results in the deletion of 5 amino acid(s) of the MSH6 protein (p.Asp276_Ser280del), but otherwise preserves the integrity of the reading frame. This variant is not present in population databases (gnomAD no frequency). This variant has not been reported in the literature in individuals affected with MSH6-related conditions. ClinVar contains an entry for this variant (Variation ID: 1762702). Experimental studies and prediction algorithms are not available or were not evaluated, and the functional significance of this variant is currently unknown. In summary, the available evidence is currently insufficient to determine the role of this variant in disease. Therefore, it has been classified as a Variant of Uncertain Significance.

Ambry Genetics
Classification: Uncertain significance for Hereditary cancer-predisposing syndrome. Last evaluated: 2021-08-30. Review status: criteria provided, single submitter. Criteria: Ambry Variant Classification Scheme 2023. Collection method: clinical testing. Allele origin: germline.
Comment: The c.827_841del15 variant (also known as p.D276_S280del) is located in coding exon 4 of the MSH6 gene. This variant results from an in-frame ATGAAATAAGCAGTG deletion at nucleotide positions 827 to 841. This results in the in-frame deletion of 5 amino acids at codon positions 276 to 280. This amino acid region is well conserved in available vertebrate species. In addition, this alteration is predicted to be deleterious by in silico analysis (Choi Y et al. PLoS ONE. 2012; 7(10):e46688). Since supporting evidence is limited at this time, the clinical significance of this alteration remains unclear.

NM_000179.3(MSH6):c.827_841del (p.Asp276_Ser280del)

Gene: MSH6 (mutS homolog 6; plus strand). Cytogenetic location: 2p16.3.
Variant type: Deletion.
Coding change: c.827_841del on transcript NM_000179.3 (MANE Select); coding-DNA positions 827 to 841, 15 bases deleted (ATGAAATAAGCAGTG).
Protein change: p.Asp276_Ser280del.
Molecular consequence: inframe deletion. On other transcripts: 5 prime UTR variant (2), inframe indel (29).
Genome position (GRCh38, 1-based): chr2:47,798,810-47,798,824, ATGAAATAAGCAGTG deleted; deleting any 15 consecutive bases within chr2:47,798,802-47,798,824 gives the same sequence; the c. name uses the placement nearest the transcript's 3' end. VCF-style (leftmost placement, unchanged base first): chr2-47798801-GAAGCAGTGATGAAAT-G. GRCh37 (hg19) VCF-style: chr2-48025940-GAAGCAGTGATGAAAT-G.
Other names: c.437_451del, p.Asp146_Ser150del (NM_001281492.2); c.-80_-66del (NM_001281493.2, NM_001281494.2); c.923_937delATGAAATAAGCAGTG, p.Asp308_Ser312del (NM_001406795.1, NM_001406802.1); c.827_841delATGAAATAAGCAGTG, p.Asp276_Ser280del (NM_001406796.1, NM_001406798.1, NM_001406800.1 and 4 more transcripts); c.530_544delATGAAATAAGCAGTG, p.Asp177_Ser181del (NM_001406797.1, NM_001406801.1, NM_001406805.1 and 10 more transcripts); c.302_316delATGAAATAAGCAGTG, p.Asp101_Ser105del (NM_001406799.1, NM_001406806.1, NM_001406807.1); c.749_763delATGAAATAAGCAGTG, p.Asp250_Ser254del (NM_001406804.1); c.-80_-66delATGAAATAAGCAGTG (NM_001406811.1, NM_001406812.1, NM_001406814.1 and 4 more transcripts); and 3 more.
Identifiers: ClinVar variation 1762702 (VCV001762702.3), dbSNP rs1243244688, ClinGen allele CA769485770.